The following is an entry in ClinVar:

NM_001276345.2(TNNT2):c.193G>C (p.Ala65Pro)

Gene: TNNT2 (troponin T2, cardiac type; minus strand). Cytogenetic location: 1q32.1.
Variant type: single nucleotide variant.
Coding change: c.193G>C on transcript NM_001276345.2 (MANE Select); coding-DNA position 193, G replaced by C.
Protein change: p.Ala65Pro; replaces alanine 65 with proline.
Molecular consequence: missense variant.
Genome position (GRCh38, 1-based): chr1:201,367,777, C>G on the plus strand (G>C on the coding strand, the complement: TNNT2 is on the minus strand). VCF-style: chr1-201367777-C-G. GRCh37 (hg19) VCF-style: chr1-201336905-C-G.
Other names: c.193G>C, p.Ala65Pro (NM_000364.4); c.163G>C, p.Ala55Pro (NM_001001430.3, NM_001001431.3, NM_001276347.2); c.148G>C, p.Ala50Pro (NM_001001432.3); c.190G>C, p.Ala64Pro (NM_001276346.2); short protein forms A50P, A55P, A64P, A65P.
Identifiers: ClinVar variation 925792 (VCV000925792.4), dbSNP rs1659919080, ClinGen allele CA344206967.
Genomic context (GRCh38, chr1:201,367,777, plus strand): 5'-GCTGCTGTGAGGGGTTCCTTTGCCTCCCTTGTACCTCTCTCCTGATATCCTTACCTTCAG[C>G]CTCCTTTGCTTCCTCTTCTTCTTCATCTTCTAAATGAAACACGAGAAATCAATCAAGGTC-3'
Protein context (NP_001263274.1, residues 55-75): EDEEEEEAKE[Ala65Pro]EDGPMEESKP

ClinVar aggregate classification (germline): Uncertain significance (1 of 4 stars; one submission).

Conditions:
Cardiomyopathy (CMYO). Also called: Cardiomyopathies. Identifiers: Orphanet 167848, MedGen C0878544, MONDO:0004994, HP:0001638. Inheritance: Various modes of inheritance.

Submission:

Color Diagnostics, LLC DBA Color Health
Classification: Uncertain significance for Cardiomyopathy. Last evaluated: 2024-03-06. Review status: criteria provided, single submitter. Criteria: ACMG Guidelines, 2015. Collection method: clinical testing. Allele origin: germline.
Comment: This missense variant replaces alanine with proline at codon 55 of the TNNT2 protein. Computational prediction suggests that this variant may not impact protein structure and function (internally defined REVEL score threshold <= 0.5, PMID: 27666373). To our knowledge, functional studies have not been reported for this variant. This variant has not been reported in individuals affected with cardiovascular disorders in the literature. This variant has not been identified in the general population by the Genome Aggregation Database (gnomAD). The available evidence is insufficient to determine the role of this variant in disease conclusively. Therefore, this variant is classified as a Variant of Uncertain Significance.